The following is an entry in ClinVar:

ClinVar aggregate classification (germline): Uncertain significance. Review status: criteria provided, multiple submitters, no conflicts (2 of 4 stars). 5 submissions from 4 submitters: Uncertain significance (5). Last evaluated 2025-08-24.

Conditions:
Aortic valve disease 1 (AOVD1). Identifiers: MedGen C3887892, MONDO:0024523, OMIM 109730.
Adams-Oliver syndrome 5 (AOS5). Identifiers: Orphanet 974, MedGen C4014970, MONDO:0014459, OMIM 616028.
Familial thoracic aortic aneurysm and aortic dissection (TAAD). Also called: Thoracic aortic aneurysms and dissections. Identifiers: Orphanet 91387, MedGen C4707243, MONDO:0019625.

gnomAD v4.1: 1 of 1,611,652 alleles (0.000062%); highest among the groups gnomAD compares: Non-Finnish European, 0.000085%; no homozygotes.

Submissions (5):

Ambry Genetics
Classification: Uncertain significance for Familial thoracic aortic aneurysm and aortic dissection. Last evaluated: 2025-08-24. Review status: criteria provided, single submitter. Criteria: Ambry Variant Classification Scheme 2023. Collection method: clinical testing. Allele origin: germline.
Comment: The p.R1940H variant (also known as c.5819G>A), located in coding exon 31 of the NOTCH1 gene, results from a G to A substitution at nucleotide position 5819. The arginine at codon 1940 is replaced by histidine, an amino acid with highly similar properties. This amino acid position is conserved. In addition, the in silico prediction for this alteration is inconclusive. Based on the available evidence, the clinical significance of this variant remains unclear.

Labcorp Genetics (formerly Invitae), Labcorp
Classification: Uncertain significance for Adams-Oliver syndrome 5. Last evaluated: 2024-02-04. Review status: criteria provided, single submitter. Criteria: Invitae Variant Classification Sherloc (09022015). Collection method: clinical testing. Allele origin: germline.
Comment: This sequence change replaces arginine, which is basic and polar, with histidine, which is basic and polar, at codon 1940 of the NOTCH1 protein (p.Arg1940His). This variant is not present in population databases (gnomAD no frequency). This variant has not been reported in the literature in individuals affected with NOTCH1-related conditions. ClinVar contains an entry for this variant (Variation ID: 636804). Advanced modeling of protein sequence and biophysical properties (such as structural, functional, and spatial information, amino acid conservation, physicochemical variation, residue mobility, and thermodynamic stability) performed at Invitae indicates that this missense variant is expected to disrupt NOTCH1 protein function with a positive predictive value of 80%. In summary, the available evidence is currently insufficient to determine the role of this variant in disease. Therefore, it has been classified as a Variant of Uncertain Significance.

Genome-Nilou Lab
Classification: Uncertain significance for Adams-Oliver syndrome 5. Last evaluated: 2022-03-15. Review status: criteria provided, single submitter. Criteria: ACMG Guidelines, 2015. Collection method: clinical testing. Allele origin: germline. Affected: no.

Genome-Nilou Lab
Classification: Uncertain significance for Aortic valve disease 1. Last evaluated: 2022-03-15. Review status: criteria provided, single submitter. Criteria: ACMG Guidelines, 2015. Collection method: clinical testing. Allele origin: germline. Affected: no.

Blueprint Genetics
Classification: Uncertain significance. Last evaluated: 2018-09-29. Review status: criteria provided, single submitter. Criteria: ACMG Guidelines, 2015. Collection method: clinical testing. Allele origin: germline.

NM_017617.5(NOTCH1):c.5819G>A (p.Arg1940His)

Gene: NOTCH1 (notch receptor 1; minus strand). Cytogenetic location: 9q34.3.
Variant type: single nucleotide variant.
Coding change: c.5819G>A on transcript NM_017617.5 (MANE Select); coding-DNA position 5819, G replaced by A.
Protein change: p.Arg1940His; replaces arginine 1940 with histidine.
Molecular consequence: missense variant.
Genome position (GRCh38, 1-based): chr9:136,500,667, C>T on the plus strand (G>A on the coding strand, the complement: NOTCH1 is on the minus strand). VCF-style: chr9-136500667-C-T. GRCh37 (hg19) VCF-style: chr9-139395119-C-T.
Other names: c.5819G>A, p.Arg1940His (LRG_1122t1); short protein forms R1940H.
Identifiers: ClinVar variation 636804 (VCV000636804.12), dbSNP rs897872809, ClinGen allele CA201638513.
Genomic context (GRCh38, chr9:136,500,667, plus strand): 5'-ATGTTGTCCTGGATGTTGGCATCTGCGCTGGCCTCCAGCAGGCGCTTGGCGGCATCAGAG[C>T]GTGAGTAGCGGGCGGCCAGGTGCAAGGCGGTCTCGCCCGTGCGGTCTGTCTGGTTGTGCA-3'
Protein context (NP_060087.3, residues 1930-1950): TALHLAARYS[Arg1940His]SDAAKRLLEA